The following is an entry in ClinVar:

ClinVar aggregate classification (germline): Uncertain significance. Review status: criteria provided, single submitter (1 of 4 stars). 2 submissions from 2 submitters: Uncertain significance (1). 1 of the submissions does not count toward it. Last evaluated 2026-03-03.

Conditions:
Inborn genetic diseases. Identifiers: MedGen C0950123, MeSH D030342.
Dyskeratosis congenita. Identifiers: Orphanet 1775, MedGen C0265965, MONDO:0015780.

Submissions (2):

Ambry Genetics
Classification: Uncertain significance for Inborn genetic diseases. Last evaluated: 2026-03-03. Review status: criteria provided, single submitter. Criteria: Ambry Variant Classification Scheme 2023. Collection method: clinical testing. Allele origin: germline.
Comment: The p.A1067S variant (also known as c.3199G>T), located in coding exon 31 of the RTEL1 gene, results from a G to T substitution at nucleotide position 3199. The alanine at codon 1067 is replaced by serine, an amino acid with similar properties. This amino acid position is conserved. In addition, this alteration is predicted to be tolerated by in silico analysis. Based on the available evidence, the clinical significance of this variant remains unclear.

Natera, Inc.
Classification: Uncertain significance for Dyskeratosis congenita. Last evaluated: 2025-05-12. Review status: no assertion criteria provided. Collection method: clinical testing. Allele origin: germline. Not counted in ClinVar's aggregate classification.

NM_001283009.2(RTEL1):c.3199G>T (p.Ala1067Ser)

Genes: RTEL1 (regulator of telomere elongation helicase 1; plus strand), RTEL1-TNFRSF6B (RTEL1-TNFRSF6B readthrough (NMD candidate); plus strand). Cytogenetic location: 20q13.33.
Variant type: single nucleotide variant.
Coding change: c.3199G>T on transcript NM_001283009.2 (MANE Select); coding-DNA position 3199, G replaced by T.
Protein change: p.Ala1067Ser; replaces alanine 1067 with serine.
Molecular consequence: missense variant. On other transcripts: non-coding transcript variant (1).
Genome position (GRCh38, 1-based): chr20:63,694,830, G>T. VCF-style: chr20-63694830-G-T. GRCh37 (hg19) VCF-style: chr20-62326183-G-T.
Other names: c.2530G>T, p.Ala844Ser (NM_001283010.1); c.3199G>T, p.Ala1067Ser (NM_016434.4); c.3271G>T, p.Ala1091Ser (NM_032957.5); short protein forms A1067S, A1091S, A844S.
Identifiers: ClinVar variation 4060904 (VCV004060904.2).